The following is an entry in ClinVar:

NM_000094.4(COL7A1):c.5272-1G>T

Gene: COL7A1 (collagen type VII alpha 1 chain; minus strand). Cytogenetic location: 3p21.31.
Variant type: single nucleotide variant.
Coding change: c.5272-1G>T on transcript NM_000094.4 (MANE Select); the canonical splice acceptor site of the intron before coding-DNA position 5272, G replaced by T.
Molecular consequence: splice acceptor variant.
Genome position (GRCh38, 1-based): chr3:48,579,405, C>A on the plus strand (G>T on the coding strand, the complement: COL7A1 is on the minus strand). VCF-style: chr3-48579405-C-A. GRCh37 (hg19) VCF-style: chr3-48616838-C-A.
Identifiers: ClinVar variation 3643072 (VCV003643072.2).

ClinVar aggregate classification (germline): Likely pathogenic (1 of 4 stars; one submission).

Submission:

Labcorp Genetics (formerly Invitae), Labcorp
Classification: Likely pathogenic. Last evaluated: 2024-02-24. Review status: criteria provided, single submitter. Criteria: Invitae Variant Classification Sherloc (09022015). Collection method: clinical testing. Allele origin: germline.
Comment: This sequence change affects an acceptor splice site in intron 59 of the COL7A1 gene. It is expected to disrupt splicing. Variants that disrupt the donor or acceptor splice site typically lead to a loss of protein function (PMID: 16199547), and loss-of-function variants in COL7A1 are known to be disease-causing for autosomal recessive dystrophic epidermolysis bullosa (PMID: 16971478). However, certain variants affecting donor or acceptor splice sites in the triple helical domain of COL7A1 are expected to result in in-frame exon skipping and have been reported to cause autosomal dominant dystrophic epidermolysis bullosa (PMID: 31670143). This variant is not present in population databases (gnomAD no frequency). This variant has not been reported in the literature in individuals affected with COL7A1-related conditions. Algorithms developed to predict the effect of sequence changes on RNA splicing suggest that this variant may disrupt the consensus splice site. In summary, the currently available evidence indicates that the variant is pathogenic, but additional data are needed to prove that conclusively. Therefore, this variant has been classified as Likely Pathogenic.

Literature cited by the submitters: PubMed 16199547; PubMed 16971478; PubMed 31670143.